The following is an entry in ClinVar:

ClinVar aggregate classification (germline): Pathogenic (1 of 4 stars; one submission).

Conditions:
Bethlem myopathy 1A. Also called: MYOPATHY, BENIGN CONGENITAL, WITH CONTRACTURES; Bethlem myopathy 1; Bethlem Muscular Dystrophy. Identifiers: Orphanet 610, MedGen CN029274, MONDO:0024530, OMIM 158810.

Submission:

Labcorp Genetics (formerly Invitae), Labcorp
Classification: Pathogenic for Bethlem myopathy 1A. Last evaluated: 2025-07-22. Review status: criteria provided, single submitter. Criteria: Invitae Variant Classification Sherloc (09022015). Collection method: clinical testing. Allele origin: germline.
Comment: This sequence change creates a premature translational stop signal (p.Lys441Glnfs*10) in the COL6A2 gene. It is expected to result in an absent or disrupted protein product. Loss-of-function variants in COL6A2 are known to be pathogenic (PMID: 19884007, 20976770). This variant is not present in population databases (gnomAD no frequency). This variant has not been reported in the literature in individuals affected with COL6A2-related conditions. For these reasons, this variant has been classified as Pathogenic.

Literature cited by the submitters: PubMed 19884007; PubMed 20976770.

NM_001849.4(COL6A2):c.1320dup (p.Lys441fs)

Gene: COL6A2 (collagen type VI alpha 2 chain; plus strand). Cytogenetic location: 21q22.3.
Variant type: Duplication.
Coding change: c.1320dup on transcript NM_001849.4 (MANE Select); coding-DNA position 1320, one base duplicated (C; older notation c.1320dupC).
Protein change: p.Lys441fs; shifts the reading frame from lysine 441.
Molecular consequence: frameshift variant.
Genome position (GRCh38, 1-based): chr21:46,119,838, C duplicated; the last of 4 consecutive C bases (chr21:46,119,835-46,119,838); duplicating any one gives the same sequence. VCF-style (leftmost placement, unchanged base first): chr21-46119834-G-GC. GRCh37 (hg19) VCF-style: chr21-47539748-G-GC.
Other names: c.1320dup, p.Lys441fs (NM_058174.3, NM_058175.3); short protein forms K441fs.
Identifiers: ClinVar variation 4723694 (VCV004723694.1).